The following is an entry in ClinVar:

ClinVar aggregate classification (germline): Uncertain significance (1 of 4 stars; one submission).

Conditions:
Gastrointestinal stromal tumor. Also called: Gastrointestinal stromal tumor, somatic; Gastrointestinal stroma tumor. Identifiers: Orphanet 44890, MedGen C0238198, MeSH D046152, MONDO:0011719, OMIM 606764, HP:0100723.

Submission:

Labcorp Genetics (formerly Invitae), Labcorp
Classification: Uncertain significance for Gastrointestinal stromal tumor. Last evaluated: 2019-09-23. Review status: criteria provided, single submitter. Criteria: Invitae Variant Classification Sherloc (09022015). Collection method: clinical testing. Allele origin: germline.
Comment: This sequence change replaces leucine with valine at codon 418 of the PDGFRA protein (p.Leu418Val). The leucine residue is highly conserved and there is a small physicochemical difference between leucine and valine. This variant is not present in population databases (ExAC no frequency). This variant has not been reported in the literature in individuals with PDGFRA-related conditions. Algorithms developed to predict the effect of missense changes on protein structure and function output the following: SIFT: "Tolerated"; PolyPhen-2: "Benign"; Align-GVGD: "Class C0". The valine amino acid residue is found in multiple mammalian species, suggesting that this missense change does not adversely affect protein function. These predictions have not been confirmed by published functional studies and their clinical significance is uncertain. In summary, the available evidence is currently insufficient to determine the role of this variant in disease. Therefore, it has been classified as a Variant of Uncertain Significance.

NM_006206.6(PDGFRA):c.1252C>G (p.Leu418Val)

Gene: PDGFRA (platelet derived growth factor receptor alpha; plus strand). Cytogenetic location: 4q12.
Variant type: single nucleotide variant.
Coding change: c.1252C>G on transcript NM_006206.6 (MANE Select); coding-DNA position 1252, C replaced by G.
Protein change: p.Leu418Val; replaces leucine 418 with valine.
Molecular consequence: missense variant.
Genome position (GRCh38, 1-based): chr4:54,272,408, C>G. VCF-style: chr4-54272408-C-G. GRCh37 (hg19) VCF-style: chr4-55138575-C-G.
Other names: c.1252C>G, p.Leu418Val (NM_001347827.2, NM_001347829.2); c.1327C>G, p.Leu443Val (NM_001347828.2); c.1291C>G, p.Leu431Val (NM_001347830.2); short protein forms L418V, L443V, L431V.
Identifiers: ClinVar variation 960782 (VCV000960782.10), dbSNP rs1723449862, ClinGen allele CA356892164.